The following is an entry in ClinVar:

ClinVar aggregate classification (germline): Likely benign. Review status: criteria provided, multiple submitters, no conflicts (2 of 4 stars). 4 submissions from 4 submitters: Likely benign (4). Last evaluated 2025-11-21.

Conditions:
GRXCR1-related disorder. Also called: GRXCR1-related condition.

Allele frequency attached by ClinVar (database versions not stated): ESP Exome Variant Server 0.00008; gnomAD exomes 0.00008 and 0.00020; 1000 Genomes Project 30x 0.00016; ExAC 0.00019; 1000 Genomes Project 0.00020; gnomAD below 0.00001 and 0.00007; TOPMed 0.00001.
gnomAD v4.1: 134 of 1,613,816 alleles (0.0083%); highest among the groups gnomAD compares: South Asian, 0.13%; 1 homozygote.

Submissions (4):

Labcorp Genetics (formerly Invitae), Labcorp
Classification: Likely benign. Last evaluated: 2025-11-21. Review status: criteria provided, single submitter. Criteria: Invitae Variant Classification Sherloc (09022015). Collection method: clinical testing. Allele origin: germline.

PreventionGenetics, part of Exact Sciences
Classification: Likely benign for GRXCR1-related condition. Last evaluated: 2024-12-10. Review status: criteria provided, single submitter. Criteria: ACMG Guidelines, 2015. Collection method: clinical testing. Allele origin: germline.
Comment: This variant is classified as likely benign based on ACMG/AMP sequence variant interpretation guidelines (Richards et al. 2015 PMID: 25741868, with internal and published modifications).

Blueprint Genetics
Classification: Likely benign. Last evaluated: 2024-07-17. Review status: criteria provided, single submitter. Criteria: ACMG Guidelines, 2015. Collection method: clinical testing. Allele origin: germline.

Laboratory for Molecular Medicine, Mass General Brigham Personalized Medicine
Classification: Likely benign. Last evaluated: 2013-12-05. Review status: criteria provided, single submitter. Criteria: LMM Criteria. Collection method: clinical testing. Allele origin: germline. Observed: 1 variant allele.
Comment: Asp78Asp in exon 1 of GRXCR1: This variant is not expected to have clinical sign ificance because it does not alter an amino acid residue and is not located with in the splice consensus sequence.

NM_001080476.3(GRXCR1):c.234T>C (p.Asp78=)

Gene: GRXCR1 (glutaredoxin and cysteine rich domain containing 1; plus strand). Cytogenetic location: 4p13.
Variant type: single nucleotide variant.
Coding change: c.234T>C on transcript NM_001080476.3 (MANE Select); coding-DNA position 234, T replaced by C.
Protein change: p.Asp78=; no amino-acid change (aspartic acid 78 retained).
Molecular consequence: synonymous variant.
Genome position (GRCh38, 1-based): chr4:42,893,500, T>C. VCF-style: chr4-42893500-T-C. GRCh37 (hg19) VCF-style: chr4-42895517-T-C.
Identifiers: ClinVar variation 179322 (VCV000179322.7), dbSNP rs376086928, ClinGen allele CA184197.